The following is an entry in ClinVar:

ClinVar aggregate classification (germline): Uncertain significance (1 of 4 stars; one submission).

gnomAD v4.1: 2 of 1,573,552 alleles (0.00013%); highest among the groups gnomAD compares: Non-Finnish European, 0.00017%; no homozygotes.

Submission:

Labcorp Genetics (formerly Invitae), Labcorp
Classification: Uncertain significance. Last evaluated: 2022-05-21. Review status: criteria provided, single submitter. Criteria: Invitae Variant Classification Sherloc (09022015). Collection method: clinical testing. Allele origin: germline.
Comment: This sequence change replaces proline, which is neutral and non-polar, with histidine, which is basic and polar, at codon 395 of the COL9A3 protein (p.Pro395His). In summary, the available evidence is currently insufficient to determine the role of this variant in disease. Therefore, it has been classified as a Variant of Uncertain Significance. Advanced modeling of protein sequence and biophysical properties (such as structural, functional, and spatial information, amino acid conservation, physicochemical variation, residue mobility, and thermodynamic stability) performed at Invitae indicates that this missense variant is not expected to disrupt COL9A3 protein function. This variant has not been reported in the literature in individuals affected with COL9A3-related conditions. This variant is not present in population databases (gnomAD no frequency).

NM_001853.4(COL9A3):c.1184C>A (p.Pro395His)

Gene: COL9A3 (collagen type IX alpha 3 chain; plus strand). Cytogenetic location: 20q13.33.
Variant type: single nucleotide variant.
Coding change: c.1184C>A on transcript NM_001853.4 (MANE Select); coding-DNA position 1184, C replaced by A.
Protein change: p.Pro395His; replaces proline 395 with histidine.
Molecular consequence: missense variant.
Genome position (GRCh38, 1-based): chr20:62,830,382, C>A. VCF-style: chr20-62830382-C-A. GRCh37 (hg19) VCF-style: chr20-61461734-C-A.
Other names: short protein forms P395H.
Identifiers: ClinVar variation 2171440 (VCV002171440.4), dbSNP rs760032112, ClinGen allele CA409594502.